The following is an entry in ClinVar:

ClinVar aggregate classification (germline): Uncertain significance (1 of 4 stars; one submission).

Conditions:
Inborn genetic diseases. Identifiers: MedGen C0950123, MeSH D030342.

Submission:

Ambry Genetics
Classification: Uncertain significance for Inborn genetic diseases. Last evaluated: 2024-02-20. Review status: criteria provided, single submitter. Criteria: Ambry Variant Classification Scheme 2023. Collection method: clinical testing. Allele origin: germline.
Comment: The p.D732E variant (also known as c.2196T>G), located in coding exon 23 of the ERCC2 gene, results from a T to G substitution at nucleotide position 2196. The aspartic acid at codon 732 is replaced by glutamic acid, an amino acid with highly similar properties. This amino acid position is conserved. In addition, the in silico prediction for this alteration is inconclusive. Based on the available evidence, the clinical significance of this alteration remains unclear.

NM_000400.4(ERCC2):c.2196T>G (p.Asp732Glu)

Gene: ERCC2 (ERCC excision repair 2, TFIIH core complex helicase subunit; minus strand). Cytogenetic location: 19q13.32.
Variant type: single nucleotide variant.
Coding change: c.2196T>G on transcript NM_000400.4 (MANE Select); coding-DNA position 2196, T replaced by G.
Protein change: p.Asp732Glu; replaces aspartic acid 732 with glutamic acid.
Molecular consequence: missense variant.
Genome position (GRCh38, 1-based): chr19:45,351,716, A>C on the plus strand (T>G on the coding strand, the complement: ERCC2 is on the minus strand). VCF-style: chr19-45351716-A-C. GRCh37 (hg19) VCF-style: chr19-45854974-A-C.
Other names: short protein forms D732E.
Identifiers: ClinVar variation 3231680 (VCV003231680.1), dbSNP rs2513994781, ClinGen allele CA406360605.